The following is an entry in ClinVar:

ClinVar aggregate classification (germline): Likely benign. Review status: criteria provided, single submitter (1 of 4 stars). 2 submissions from 2 submitters: Likely benign (1). 1 of the submissions does not count toward it. Last evaluated 2025-05-17.

Conditions:
NEK1-related disorder. Also called: NEK1-related condition.
Short-rib thoracic dysplasia 6 with or without polydactyly (SRTD6). Also called: Majewski Syndrome; SHORT RIB-POLYDACTYLY SYNDROME, TYPE IIA; POLYDACTYLY WITH NEONATAL CHONDRODYSTROPHY, TYPE II; SHORT-RIB THORACIC DYSPLASIA 6 WITH POLYDACTYLY; SHORT-RIB THORACIC DYSPLASIA 6 WITHOUT POLYDACTYLY. Identifiers: MedGen C0024507, MONDO:0009894, OMIM 263520.

Allele frequency attached by ClinVar (database versions not stated): gnomAD 0.00001; gnomAD exomes 0.00001; TOPMed 0.00001.
gnomAD v4.1: 10 of 1,520,592 alleles (0.00066%); highest among the groups gnomAD compares: Non-Finnish European, 0.00088%; no homozygotes.

Submissions (2):

Labcorp Genetics (formerly Invitae), Labcorp
Classification: Likely benign for Short-rib thoracic dysplasia 6 with or without polydactyly. Last evaluated: 2025-05-17. Review status: criteria provided, single submitter. Criteria: Invitae Variant Classification Sherloc (09022015). Collection method: clinical testing. Allele origin: germline.

PreventionGenetics, part of Exact Sciences
Classification: Likely benign for NEK1-related condition. Last evaluated: 2023-02-28. Review status: no assertion criteria provided. Collection method: clinical testing. Allele origin: germline. Not counted in ClinVar's aggregate classification.
Comment: This variant is classified as likely benign based on ACMG/AMP sequence variant interpretation guidelines (Richards et al. 2015 PMID: 25741868, with internal and published modifications).

NM_001199397.3(NEK1):c.2588-4A>C

Gene: NEK1 (NIMA related kinase 1; minus strand). Cytogenetic location: 4q33.
Variant type: single nucleotide variant.
Coding change: c.2588-4A>C on transcript NM_001199397.3 (MANE Select); 4 bases into the intron before coding-DNA position 2588, A replaced by C.
Molecular consequence: intron variant.
Genome position (GRCh38, 1-based): chr4:169,438,263, T>G on the plus strand (A>C on the coding strand, the complement: NEK1 is on the minus strand). VCF-style: chr4-169438263-T-G. GRCh37 (hg19) VCF-style: chr4-170359414-T-G.
Other names: c.2282-4598A>C (NM_001374421.1); c.2453-4A>C (NM_001374420.1); c.2297-4A>C (NM_001199399.3); c.2456-4A>C (NM_001199398.3); c.2504-4A>C (NM_001374419.1, NM_012224.4, NM_012224.2); c.2372-4A>C (NM_001199400.3); c.2588-4A>C (NM_001374418.1).
Identifiers: ClinVar variation 2148992 (VCV002148992.6), dbSNP rs1289990698, ClinGen allele CA556452955.